The following is an entry in ClinVar:

ClinVar aggregate classification (germline): Uncertain significance. Review status: criteria provided, single submitter (1 of 4 stars). 2 submissions from 2 submitters: Uncertain significance (1). 1 of the submissions does not count toward it. Last evaluated 2025-03-17.

Conditions:
maculopathy.

gnomAD v4.1: 4 of 1,614,042 alleles (0.00025%); no homozygotes.

Submissions (2):

Labcorp Genetics (formerly Invitae), Labcorp
Classification: Uncertain significance. Last evaluated: 2025-03-17. Review status: criteria provided, single submitter. Criteria: Invitae Variant Classification Sherloc (09022015). Collection method: clinical testing. Allele origin: germline.
Comment: This sequence change replaces isoleucine, which is neutral and non-polar, with serine, which is neutral and polar, at codon 236 of the PCARE protein (p.Ile236Ser). This variant is present in population databases (no rsID available, gnomAD no frequency). This missense change has been observed in individual(s) with inherited retinal dystrophy (internal data). ClinVar contains an entry for this variant (Variation ID: 812240). An algorithm developed to predict the effect of missense changes on protein structure and function (PolyPhen-2) suggests that this variant is likely to be disruptive. In summary, the available evidence is currently insufficient to determine the role of this variant in disease. Therefore, it has been classified as a Variant of Uncertain Significance.

Sharon lab, Hadassah-Hebrew University Medical Center
Classification: Likely pathogenic for Maculopathy. Last evaluated: 2019-06-23. Review status: no assertion criteria provided. Collection method: research. Allele origin: inherited. Affected: yes. Not counted in ClinVar's aggregate classification.

NM_001029883.3(PCARE):c.707T>G (p.Ile236Ser)

Gene: PCARE (photoreceptor cilium actin regulator; minus strand). Cytogenetic location: 2p23.2.
Variant type: single nucleotide variant.
Coding change: c.707T>G on transcript NM_001029883.3 (MANE Select); coding-DNA position 707, T replaced by G.
Protein change: p.Ile236Ser; replaces isoleucine 236 with serine.
Molecular consequence: missense variant.
Genome position (GRCh38, 1-based): chr2:29,073,555, A>C on the plus strand (T>G on the coding strand, the complement: PCARE is on the minus strand). VCF-style: chr2-29073555-A-C. GRCh37 (hg19) VCF-style: chr2-29296421-A-C.
Other names: short protein forms I236S.
Identifiers: ClinVar variation 812240 (VCV000812240.7), dbSNP rs1396413765, ClinGen allele CA346481715.